The following is an entry in ClinVar:

ClinVar aggregate classification (germline): Uncertain significance. Review status: criteria provided, multiple submitters, no conflicts (2 of 4 stars). 4 submissions from 4 submitters: Uncertain significance (4). Last evaluated 2026-01-17.

Conditions:
Idiopathic Pulmonary Fibrosis. Also called: Idiopathic fibrosing alveolitis, chronic form; idiopathic fibrosing alveolitis. Identifiers: Orphanet 2032, MedGen C1800706, MeSH D054990, MONDO:0800504.
Dyskeratosis congenita, autosomal dominant 2. Identifiers: MedGen C3151443, MONDO:0013521, OMIM 613989.
Dyskeratosis congenita. Identifiers: Orphanet 1775, MedGen C0265965, MONDO:0015780.

Allele frequency attached by ClinVar (database versions not stated): gnomAD exomes below 0.00001; gnomAD 0.00001.
gnomAD v4.1: 3 of 1,613,138 alleles (0.00019%); highest among the groups gnomAD compares: Non-Finnish European, 0.00025%; no homozygotes.

Submissions (4):

Labcorp Genetics (formerly Invitae), Labcorp
Classification: Uncertain significance for Dyskeratosis congenita, autosomal dominant 2; Idiopathic Pulmonary Fibrosis. Last evaluated: 2026-01-17. Review status: criteria provided, single submitter. Criteria: Invitae Variant Classification Sherloc (09022015). Collection method: clinical testing. Allele origin: germline.
Comment: This sequence change replaces leucine, which is neutral and non-polar, with arginine, which is basic and polar, at codon 497 of the TERT protein (p.Leu497Arg). This variant is not present in population databases (gnomAD no frequency). This variant has not been reported in the literature in individuals affected with TERT-related conditions. ClinVar contains an entry for this variant (Variation ID: 1317472). Invitae Evidence Modeling of protein sequence and biophysical properties (such as structural, functional, and spatial information, amino acid conservation, physicochemical variation, residue mobility, and thermodynamic stability) indicates that this missense variant is expected to disrupt TERT protein function with a positive predictive value of 95%. In summary, the available evidence is currently insufficient to determine the role of this variant in disease. Therefore, it has been classified as a Variant of Uncertain Significance.

Mayo Clinic Laboratories, Mayo Clinic
Classification: Uncertain significance. Last evaluated: 2025-05-07. Review status: criteria provided, single submitter. Criteria: ACMG Guidelines, 2015. Collection method: clinical testing. Allele origin: germline. Observed: 1 variant allele.
Comment: PP3, PM2_supporting

Ambry Genetics
Classification: Uncertain significance for Dyskeratosis congenita. Last evaluated: 2023-02-25. Review status: criteria provided, single submitter. Criteria: Ambry Variant Classification Scheme 2023. Collection method: clinical testing. Allele origin: germline.
Comment: The p.L497R variant (also known as c.1490T>G), located in coding exon 2 of the TERT gene, results from a T to G substitution at nucleotide position 1490. The leucine at codon 497 is replaced by arginine, an amino acid with dissimilar properties. This amino acid position is conserved. In addition, the in silico prediction for this alteration is inconclusive. Since supporting evidence is limited at this time, the clinical significance of this alteration remains unclear.

GeneDx
Classification: Uncertain significance. Last evaluated: 2021-10-11. Review status: criteria provided, single submitter. Criteria: GeneDx Variant Classification Process June 2021. Collection method: clinical testing. Allele origin: germline. Affected: yes.
Comment: Not observed at significant frequency in large population cohorts (Lek et al., 2016); In silico analysis supports that this missense variant has a deleterious effect on protein structure/function; Has not been previously published as pathogenic or benign to our knowledge

NM_198253.3(TERT):c.1490T>G (p.Leu497Arg)

Gene: TERT (telomerase reverse transcriptase; minus strand). Cytogenetic location: 5p15.33.
Variant type: single nucleotide variant.
Coding change: c.1490T>G on transcript NM_198253.3 (MANE Select); coding-DNA position 1490, T replaced by G.
Protein change: p.Leu497Arg; replaces leucine 497 with arginine.
Molecular consequence: missense variant. On other transcripts: non-coding transcript variant (2).
Genome position (GRCh38, 1-based): chr5:1,293,396, A>C on the plus strand (T>G on the coding strand, the complement: TERT is on the minus strand). VCF-style: chr5-1293396-A-C. GRCh37 (hg19) VCF-style: chr5-1293511-A-C.
Other names: p.Leu497Arg; c.1490T>G, p.Leu497Arg (NM_001193376.3); short protein forms L497R.
Identifiers: ClinVar variation 1317472 (VCV001317472.7), dbSNP rs1751116306, ClinGen allele CA359085357.